The following is an entry in ClinVar:

NM_001492.6(GDF1):c.581T>C (p.Val194Ala)

Genes: CERS1 (ceramide synthase 1; minus strand), GDF1 (growth differentiation factor 1; minus strand). Cytogenetic location: 19p13.11.
Variant type: single nucleotide variant.
Coding change: c.581T>C on transcript NM_001492.6 (MANE Select); coding-DNA position 581, T replaced by C.
Protein change: p.Val194Ala; replaces valine 194 with alanine.
Molecular consequence: missense variant. On other transcripts: 3 prime UTR variant (2).
Genome position (GRCh38, 1-based): chr19:18,869,135, A>G on the plus strand (T>C on the coding strand, the complement: GDF1 is on the minus strand). VCF-style: chr19-18869135-A-G. GRCh37 (hg19) VCF-style: chr19-18979944-A-G.
Other names: c.*1442T>C (NM_001387440.1); c.*850T>C (NM_021267.5); c.581T>C, p.Val194Ala (NM_001387438.1); short protein forms V194A.
Identifiers: ClinVar variation 3778443 (VCV003778443.7).
Genomic context (GRCh38, chr19:18,869,135, plus strand): 5'-CGGAGGCTGCGCGGCCATGAGGCGTTGCGAGCCCAAGCGGCGCCCAGCAGCTCCGCGCGC[A>G]CTGGCGGCCCCAGGGCGGGCACCAACTGGCGGAGCAGCACCGGCCCGGGGTCCGCGCCCG-3'
Protein context (NP_001483.3, residues 184-204): RQLVPALGPP[Val194Ala]RAELLGAAWA

ClinVar aggregate classification (germline): Uncertain significance (1 of 4 stars; one submission).

gnomAD v4.1: 1 of 1,104,732 alleles (0.000091%); highest among the groups gnomAD compares: South Asian, 0.0033%; no homozygotes.

Submission:

CeGaT Center for Human Genetics Tuebingen
Classification: Uncertain significance. Last evaluated: 2025-03-01. Review status: criteria provided, single submitter. Criteria: CeGaT Center For Human Genetics Tuebingen Variant Classification Criteria Version 2. Collection method: clinical testing. Allele origin: germline. Affected: yes. Observed: 1 variant allele.
Comment: GDF1: PM2, BP4